The following is an entry in ClinVar:

ClinVar aggregate classification (germline): Likely benign. Review status: criteria provided, multiple submitters, no conflicts (2 of 4 stars). 2 submissions from 2 submitters: Likely benign (2). Last evaluated 2025-05-24.

Conditions:
UMOD-related disorder. Also called: UMOD-related condition.

Allele frequency attached by ClinVar (database versions not stated): ExAC 0.00004; gnomAD 0.00007; TOPMed 0.00009; 1000 Genomes Project 0.00020; 1000 Genomes Project 30x 0.00047.

Submissions (2):

Labcorp Genetics (formerly Invitae), Labcorp
Classification: Likely benign. Last evaluated: 2025-05-24. Review status: criteria provided, single submitter. Criteria: Invitae Variant Classification Sherloc (09022015). Collection method: clinical testing. Allele origin: germline.

PreventionGenetics, part of Exact Sciences
Classification: Likely benign for UMOD-related condition. Last evaluated: 2025-05-12. Review status: criteria provided, single submitter. Criteria: ACMG Guidelines, 2015. Collection method: clinical testing. Allele origin: germline.
Comment: This variant is classified as likely benign based on ACMG/AMP sequence variant interpretation guidelines (Richards et al. 2015 PMID: 25741868, with internal and published modifications).

NM_003361.4(UMOD):c.1181C>T (p.Thr394Met)

Gene: UMOD (uromodulin; minus strand). Cytogenetic location: 16p12.3.
Variant type: single nucleotide variant.
Coding change: c.1181C>T on transcript NM_003361.4 (MANE Select); coding-DNA position 1181, C replaced by T.
Protein change: p.Thr394Met; replaces threonine 394 with methionine.
Molecular consequence: missense variant. On other transcripts: non-coding transcript variant (1).
Genome position (GRCh38, 1-based): chr16:20,346,127, G>A on the plus strand (C>T on the coding strand, the complement: UMOD is on the minus strand). VCF-style: chr16-20346127-G-A. GRCh37 (hg19) VCF-style: chr16-20357449-G-A.
Other names: c.1181C>T, p.Thr394Met (NM_001008389.3, NM_001378232.1, NM_001378233.1 and 3 more transcripts); c.1280C>T, p.Thr427Met (NM_001278614.2); c.1181C>T (NM_003361.3); short protein forms T394M, T427M.
Identifiers: ClinVar variation 2044920 (VCV002044920.5), dbSNP rs532447307, ClinGen allele CA7939278.